The following is an entry in ClinVar:

ClinVar aggregate classification (germline): Uncertain significance (1 of 4 stars; one submission).

Conditions:
Primary ciliary dyskinesia. Also called: Ciliary dyskinesia. Identifiers: Orphanet 244, MedGen C0008780, MONDO:0016575, HP:0012265.

Allele frequency attached by ClinVar (database versions not stated): gnomAD exomes below 0.00001.
gnomAD v4.1: 3 of 1,614,112 alleles (0.00019%); highest among the groups gnomAD compares: South Asian, 0.0011%; no homozygotes.

Submission:

Labcorp Genetics (formerly Invitae), Labcorp
Classification: Uncertain significance for Primary ciliary dyskinesia. Last evaluated: 2021-08-24. Review status: criteria provided, single submitter. Criteria: Invitae Variant Classification Sherloc (09022015). Collection method: clinical testing. Allele origin: germline.
Comment: This sequence change replaces proline with leucine at codon 1457 of the DNAH5 protein (p.Pro1457Leu). The proline residue is highly conserved and there is a moderate physicochemical difference between proline and leucine. This variant is not present in population databases (ExAC no frequency). This variant has not been reported in the literature in individuals affected with DNAH5-related conditions. Algorithms developed to predict the effect of missense changes on protein structure and function are either unavailable or do not agree on the potential impact of this missense change (SIFT: "Deleterious"; PolyPhen-2: "Possibly Damaging"; Align-GVGD: "Class C0"). In summary, the available evidence is currently insufficient to determine the role of this variant in disease. Therefore, it has been classified as a Variant of Uncertain Significance.

NM_001369.3(DNAH5):c.4370C>T (p.Pro1457Leu)

Genes: DNAH5 (dynein axonemal heavy chain 5; minus strand), DNAH5-AS1 (DNAH5 antisense RNA 1; plus strand). Cytogenetic location: 5p15.2.
Variant type: single nucleotide variant.
Coding change: c.4370C>T on transcript NM_001369.3 (MANE Select); coding-DNA position 4370, C replaced by T.
Protein change: p.Pro1457Leu; replaces proline 1457 with leucine.
Molecular consequence: missense variant.
Genome position (GRCh38, 1-based): chr5:13,864,623, G>A on the plus strand (C>T on the coding strand, the complement: DNAH5 is on the minus strand). VCF-style: chr5-13864623-G-A. GRCh37 (hg19) VCF-style: chr5-13864732-G-A.
Other names: short protein forms P1457L.
Identifiers: ClinVar variation 1022587 (VCV001022587.6), dbSNP rs1308493849, ClinGen allele CA359224426.